The following is an entry in ClinVar:

ClinVar aggregate classification (germline): Uncertain significance. Review status: criteria provided, multiple submitters, no conflicts (2 of 4 stars). 2 submissions from 2 submitters: Uncertain significance (2). Last evaluated 2026-01-14.

Conditions:
Hereditary cancer-predisposing syndrome. Also called: Tumor predisposition; Hereditary neoplastic syndrome; Neoplastic Syndromes, Hereditary; Hereditary Cancer Syndrome. Identifiers: Orphanet 140162, MedGen C0027672, MeSH D009386, MONDO:0015356.
Gorlin syndrome. Also called: Nevoid Basal Cell Carcinoma Syndrome; Basal cell nevus syndrome. Identifiers: Orphanet 377, MedGen C0004779, MONDO:0007187.
Medulloblastoma (MDB). Also called: Medulloblastoma, somatic; MEDULLOBLASTOMA PREDISPOSITION SYNDROME. Identifiers: Orphanet 616, MedGen C0025149, MeSH D008527, MONDO:0007959, OMIM 155255, HP:0002885.

Allele frequency attached by ClinVar (database versions not stated): gnomAD 0.00001; gnomAD exomes 0.00001 and 0.00002; TOPMed 0.00001.
gnomAD v4.1: 17 of 1,614,098 alleles (0.0011%); highest among the groups gnomAD compares: South Asian, 0.0055%; no homozygotes.

Submissions (2):

Labcorp Genetics (formerly Invitae), Labcorp
Classification: Uncertain significance for Gorlin syndrome; Medulloblastoma. Last evaluated: 2026-01-14. Review status: criteria provided, single submitter. Criteria: Invitae Variant Classification Sherloc (09022015). Collection method: clinical testing. Allele origin: germline.
Comment: This sequence change replaces valine, which is neutral and non-polar, with methionine, which is neutral and non-polar, at codon 188 of the SUFU protein (p.Val188Met). This variant is present in population databases (no rsID available, gnomAD 0.008%). This variant has not been reported in the literature in individuals affected with SUFU-related conditions. ClinVar contains an entry for this variant (Variation ID: 936405). Invitae Evidence Modeling of protein sequence and biophysical properties (such as structural, functional, and spatial information, amino acid conservation, physicochemical variation, residue mobility, and thermodynamic stability) indicates that this missense variant is not expected to disrupt SUFU protein function with a negative predictive value of 80%. In summary, the available evidence is currently insufficient to determine the role of this variant in disease. Therefore, it has been classified as a Variant of Uncertain Significance.

Ambry Genetics
Classification: Uncertain significance for Hereditary cancer-predisposing syndrome. Last evaluated: 2023-12-05. Review status: criteria provided, single submitter. Criteria: Ambry Variant Classification Scheme 2023. Collection method: clinical testing. Allele origin: germline.
Comment: The p.V188M variant (also known as c.562G>A), located in coding exon 4 of the SUFU gene, results from a G to A substitution at nucleotide position 562. The valine at codon 188 is replaced by methionine, an amino acid with highly similar properties. This amino acid position is well conserved in available vertebrate species. In addition, the in silico prediction for this alteration is inconclusive. Since supporting evidence is limited at this time, the clinical significance of this alteration remains unclear.

NM_016169.4(SUFU):c.562G>A (p.Val188Met)

Gene: SUFU (SUFU negative regulator of hedgehog signaling; plus strand). Cytogenetic location: 10q24.32.
Variant type: single nucleotide variant.
Coding change: c.562G>A on transcript NM_016169.4 (MANE Select); coding-DNA position 562, G replaced by A.
Protein change: p.Val188Met; replaces valine 188 with methionine.
Molecular consequence: missense variant.
Genome position (GRCh38, 1-based): chr10:102,592,689, G>A. VCF-style: chr10-102592689-G-A. GRCh37 (hg19) VCF-style: chr10-104352446-G-A.
Other names: c.562G>A, p.Val188Met (NM_001178133.2); short protein forms V188M.
Identifiers: ClinVar variation 936405 (VCV000936405.10), dbSNP rs1462013962, ClinGen allele CA377908580.
Genomic context (GRCh38, chr10:102,592,689, plus strand): 5'-GATAACAGTGAGTCAAGAATTCAGCACATGCTGCTGACAGAGGACCCACAGATGCAGCCC[G>A]TGCAGACACCCTTTGGGGTAGTTACCTTCCTCCAGGTGAGGCACAGGTTGGACGCTGGCT-3'
Protein context (NP_057253.2, residues 178-198): LLTEDPQMQP[Val188Met]QTPFGVVTFL